The following is an entry in ClinVar:

ClinVar aggregate classification (germline): Uncertain significance. Review status: criteria provided, multiple submitters, no conflicts (2 of 4 stars). 2 submissions from 2 submitters: Uncertain significance (2). Last evaluated 2022-08-05.

Conditions:
Retinitis pigmentosa 12 (RP12). Also called: RP WITH OR WITHOUT PRESERVED PARAARTERIOLE RETINAL PIGMENT EPITHELIUM; RETINITIS PIGMENTOSA WITH OR WITHOUT PARAARTERIOLAR PRESERVATION OF RETINAL PIGMENT EPITHELIUM; RP WITH OR WITHOUT PPRPE. Identifiers: Orphanet 791, MedGen C1838647, MONDO:0010818, OMIM 600105.
Leber congenital amaurosis 8 (LCA8). Identifiers: Orphanet 65, MedGen C3151202, MONDO:0013453, OMIM 613835.

Allele frequency attached by ClinVar (database versions not stated): gnomAD exomes below 0.00001; ExAC 0.00001; TOPMed 0.00001.
gnomAD v4.1: 1 of 1,613,982 alleles (0.000062%); highest among the groups gnomAD compares: Non-Finnish European, 0.000085%; no homozygotes.

Submissions (2):

Blueprint Genetics
Classification: Uncertain significance. Last evaluated: 2022-08-05. Review status: criteria provided, single submitter. Criteria: ACMG Guidelines, 2015. Collection method: clinical testing. Allele origin: germline.

Labcorp Genetics (formerly Invitae), Labcorp
Classification: Uncertain significance for Leber congenital amaurosis 8; Retinitis pigmentosa 12. Last evaluated: 2022-06-14. Review status: criteria provided, single submitter. Criteria: Invitae Variant Classification Sherloc (09022015). Collection method: clinical testing. Allele origin: germline.
Comment: This sequence change replaces valine, which is neutral and non-polar, with methionine, which is neutral and non-polar, at codon 1029 of the CRB1 protein (p.Val1029Met). This variant is present in population databases (rs757383417, gnomAD 0.0009%). This variant has not been reported in the literature in individuals affected with CRB1-related conditions. Advanced modeling of protein sequence and biophysical properties (such as structural, functional, and spatial information, amino acid conservation, physicochemical variation, residue mobility, and thermodynamic stability) performed at Invitae indicates that this missense variant is not expected to disrupt CRB1 protein function. In summary, the available evidence is currently insufficient to determine the role of this variant in disease. Therefore, it has been classified as a Variant of Uncertain Significance.

NM_201253.3(CRB1):c.3085G>A (p.Val1029Met)

Gene: CRB1 (crumbs cell polarity complex component 1; plus strand). Cytogenetic location: 1q31.3.
Variant type: single nucleotide variant.
Coding change: c.3085G>A on transcript NM_201253.3 (MANE Select); coding-DNA position 3085, G replaced by A.
Protein change: p.Val1029Met; replaces valine 1029 with methionine.
Molecular consequence: missense variant. On other transcripts: non-coding transcript variant (2), intron variant (1).
Genome position (GRCh38, 1-based): chr1:197,434,948, G>A. VCF-style: chr1-197434948-G-A. GRCh37 (hg19) VCF-style: chr1-197404078-G-A.
Other names: c.2749G>A, p.Val917Met (NM_001193640.2); c.3013G>A, p.Val1005Met (NM_001257965.2); c.2129-652G>A (NM_001257966.2); short protein forms V1005M, V1029M, V917M.
Identifiers: ClinVar variation 1482465 (VCV001482465.6), dbSNP rs757383417, ClinGen allele CA1312270.
Genomic context (GRCh38, chr1:197,434,948, plus strand): 5'-TTCTTTCAATTGCAAAGTGGCAACAGCTTTTATATGCTAAGTCTGACAAGTTTGCAGTCA[G>A]TGAATGATGGCACATGGCACGAAGTGACCCTTTCCATGACAGACCCACTGTCCCAGACCT-3'
Protein context (NP_957705.1, residues 1019-1039): YMLSLTSLQS[Val1029Met]NDGTWHEVTL